The following is an entry in ClinVar:

ClinVar aggregate classification (germline): Uncertain significance (1 of 4 stars; one submission).

Submission:

GeneDx
Classification: Uncertain significance. Last evaluated: 2019-07-30. Review status: criteria provided, single submitter. Criteria: GeneDx Variant Classification Process June 2021. Collection method: clinical testing. Allele origin: germline. Affected: yes.
Comment: Not observed in large population cohorts (Lek et al., 2016); In silico analysis, which includes protein predictors and evolutionary conservation, supports a deleterious effect; Has not been previously published as pathogenic or benign to our knowledge

NM_019074.4(DLL4):c.647A>G (p.Tyr216Cys)

Gene: DLL4 (delta like canonical Notch ligand 4; plus strand). Cytogenetic location: 15q15.1.
Variant type: single nucleotide variant.
Coding change: c.647A>G on transcript NM_019074.4 (MANE Select); coding-DNA position 647, A replaced by G.
Protein change: p.Tyr216Cys; replaces tyrosine 216 with cysteine.
Molecular consequence: missense variant.
Genome position (GRCh38, 1-based): chr15:40,931,755, A>G. VCF-style: chr15-40931755-A-G. GRCh37 (hg19) VCF-style: chr15-41223953-A-G.
Other names: short protein forms Y216C.
Identifiers: ClinVar variation 1307432 (VCV001307432.2), dbSNP rs2140369271, ClinGen allele CA391807218.